The following is an entry in ClinVar:

NM_016034.5(MRPS2):c.472dup (p.Met158fs)

Genes: MRPS2 (mitochondrial ribosomal protein S2; plus strand), LOC101928525 (uncharacterized LOC101928525; minus strand). Cytogenetic location: 9q34.3.
Variant type: Duplication.
Coding change: c.472dup on transcript NM_016034.5 (MANE Select); coding-DNA position 472, one base duplicated (A; older notation c.472dupA).
Protein change: p.Met158fs; shifts the reading frame from methionine 158.
Molecular consequence: frameshift variant. On other transcripts: non-coding transcript variant (4).
Genome position (GRCh38, 1-based): chr9:135,503,714, A duplicated. VCF-style (leftmost placement, unchanged base first): chr9-135503713-C-CA. GRCh37 (hg19) VCF-style: chr9-138395559-C-CA.
Other names: c.472dupA (NM_016034.5); c.472dup, p.Met158fs (NM_001371401.1); short protein forms M158fs.
Identifiers: ClinVar variation 4845827 (VCV004845827.1).

ClinVar aggregate classification (germline): Likely pathogenic (1 of 4 stars; one submission).

Conditions:
Combined oxidative phosphorylation deficiency 36 (COXPD36). Identifiers: MedGen C4693722, MONDO:0054781, OMIM 617950.

Submission:

First Genomix Gene Laboratory, Genetic Diagnostics Department
Classification: Likely pathogenic for Combined oxidative phosphorylation deficiency 36. Last evaluated: 2025-03-27. Review status: criteria provided, single submitter. Criteria: ACMG Guidelines, 2015. Collection method: clinical testing. Allele origin: germline. Inheritance: Autosomal recessive inheritance. Affected: no. Observed: 1 variant allele.